The following is an entry in ClinVar:

ClinVar aggregate classification (germline): Likely pathogenic (1 of 4 stars; one submission).

Conditions:
Vici syndrome (VICIS). Identifiers: Orphanet 1493, MedGen C1855772, MONDO:0009452, OMIM 242840.

Submission:

SIB Swiss Institute of Bioinformatics
Classification: Likely pathogenic for Vici syndrome. Last evaluated: 2019-01-17. Review status: criteria provided, single submitter. Criteria: ACMG Guidelines, 2015. Collection method: curation. Allele origin: unknown.
Comment: This variant is interpreted as a Likely pathogenic for Vici syndrome, autosomal recessive. The following ACMG Tag(s) were applied: PM2 => Absent from controls (or at extremely low frequency if recessive) in Exome Sequencing Project, 1000 Genomes Project, or Exome Aggregation Consortium. PVS1 => Predicted nullvariant in a gene where LOF is a known mechanism of disease.

ClinGen:CA402341581

Literature cited by the submitters: PubMed 26917586.

NM_020964.3(EPG5):c.5966G>A (p.Trp1989Ter)

Gene: EPG5 (ectopic P-granules 5 autophagy tethering factor; minus strand). Cytogenetic location: 18q12.3.
Variant type: single nucleotide variant.
Coding change: c.5966G>A on transcript NM_020964.3 (MANE Select); coding-DNA position 5966, G replaced by A.
Protein change: p.Trp1989Ter; replaces tryptophan 1989 with a stop codon.
Molecular consequence: nonsense.
Genome position (GRCh38, 1-based): chr18:45,876,319, C>T on the plus strand (G>A on the coding strand, the complement: EPG5 is on the minus strand). VCF-style: chr18-45876319-C-T. GRCh37 (hg19) VCF-style: chr18-43456284-C-T.
Other names: c.5966G>A, p.Trp1989Ter (LRG_1234t1); short protein forms W1989*.
Identifiers: ClinVar variation 626233 (VCV000626233.2), dbSNP rs1568112543, ClinGen allele CA402341581.